The following is an entry in ClinVar:

NM_000424.4(KRT5):c.539C>A (p.Ala180Asp)

Gene: KRT5 (keratin 5; minus strand). Cytogenetic location: 12q13.13.
Variant type: single nucleotide variant.
Coding change: c.539C>A on transcript NM_000424.4 (MANE Select); coding-DNA position 539, C replaced by A.
Protein change: p.Ala180Asp; replaces alanine 180 with aspartic acid.
Molecular consequence: missense variant.
Genome position (GRCh38, 1-based): chr12:52,519,758, G>T on the plus strand (C>A on the coding strand, the complement: KRT5 is on the minus strand). VCF-style: chr12-52519758-G-T. GRCh37 (hg19) VCF-style: chr12-52913542-G-T.
Other names: short protein forms A180D.
Identifiers: ClinVar variation 66258 (VCV000066258.2), dbSNP rs58480900, ClinGen allele CA216747.

ClinVar aggregate classification (germline): Pathogenic. Review status: criteria provided, single submitter (1 of 4 stars). 2 submissions from 2 submitters: Pathogenic (1). 1 of the submissions does not count toward it. Last evaluated 2024-08-23.

Submissions (2):

GeneDx
Classification: Pathogenic. Last evaluated: 2024-08-23. Review status: criteria provided, single submitter. Criteria: GeneDx Variant Classification Process June 2021. Collection method: clinical testing. Allele origin: germline. Affected: yes.
Comment: Located in the highly conserved helix initiation motif of the alpha-helical rod domain, which is intolerant to change; variants in this motif interfere with proper keratin intermediate filament assembly and function, resulting in skin fragility and/or hyperkeratosis (PMID: 21176769); Not observed at significant frequency in large population cohorts (gnomAD); In silico analysis supports that this missense variant has a deleterious effect on protein structure/function; This variant is associated with the following publications: (PMID: 15827748, 21375516, 21176769, 32484238, 32506467, 28830826, 36287101)

Epithelial Biology;  Institute of Medical Biology, Singapore
No classification provided. Review status: no classification provided. Collection method: not provided. Allele origin: not provided. Not counted in ClinVar's aggregate classification.